The following is an entry in ClinVar:

ClinVar aggregate classification (germline): Benign/Likely benign. Review status: criteria provided, multiple submitters, no conflicts (2 of 4 stars). 6 submissions from 6 submitters: Benign (1); Likely benign (4). 1 of the submissions does not count toward it. Last evaluated 2026-08-01.

Conditions:
Creatine transporter deficiency (CCDS1). Also called: CEREBRAL CREATINE DEFICIENCY SYNDROME 1; SLC6A8-Related Creatine Transporter Deficiency; CREATINE TRANSPORTER DEFECT; Mental retardation , X-linked with seizures, short stature and midface hypoplasia; Mental retardation , X-linked, with creatine transport deficiency; X-linked creatine transporter deficiency. Identifiers: Orphanet 52503, MedGen C1845862, MONDO:0010305, OMIM 300352.
SLC6A8-related disorder. Also called: SLC6A8-related condition.
Inborn genetic diseases. Identifiers: MedGen C0950123, MeSH D030342.

Allele frequency attached by ClinVar (database versions not stated): gnomAD 0.00005 and 0.00007; ESP Exome Variant Server 0.00009; TOPMed 0.00009; gnomAD exomes 0.00010; ExAC 0.00012; 1000 Genomes Project 0.00053; 1000 Genomes Project 30x 0.00062.
gnomAD v4.1: 45 of 1,209,202 alleles (0.0037%); highest among the groups gnomAD compares: African/African-American, 0.024%; no homozygotes.

Submissions (6):

CeGaT Center for Human Genetics Tuebingen
Classification: Likely benign. Last evaluated: 2026-08-01. Review status: criteria provided, single submitter. Criteria: CeGaT Center For Human Genetics Tuebingen Variant Classification Criteria Version 2. Collection method: clinical testing. Allele origin: germline. Affected: yes. Observed: 1 variant allele.
Comment: SLC6A8: BP4, BS2

Labcorp Genetics (formerly Invitae), Labcorp
Classification: Benign for Creatine transporter deficiency. Last evaluated: 2026-01-18. Review status: criteria provided, single submitter. Criteria: Invitae Variant Classification Sherloc (09022015). Collection method: clinical testing. Allele origin: germline.

Ambry Genetics
Classification: Likely benign for Inborn genetic diseases. Last evaluated: 2024-09-06. Review status: criteria provided, single submitter. Criteria: Ambry Variant Classification Scheme 2023. Collection method: clinical testing. Allele origin: germline.

GeneDx
Classification: Likely benign. Last evaluated: 2021-06-23. Review status: criteria provided, single submitter. Criteria: GeneDx Variant Classification Process June 2021. Collection method: clinical testing. Allele origin: germline. Affected: yes.

Breakthrough Genomics
Classification: Likely benign. Review status: criteria provided, single submitter. Criteria: ACMG Guidelines, 2015. Collection method: not provided. Allele origin: germline. Inheritance: X-linked inheritance. Affected: yes.

PreventionGenetics, part of Exact Sciences
Classification: Likely benign for SLC6A8-related condition. Last evaluated: 2019-12-04. Review status: no assertion criteria provided. Collection method: clinical testing. Allele origin: germline. Not counted in ClinVar's aggregate classification.
Comment: This variant is classified as likely benign based on ACMG/AMP sequence variant interpretation guidelines (Richards et al. 2015 PMID: 25741868, with internal and published modifications).

NM_005629.4(SLC6A8):c.1597-5C>T

Gene: SLC6A8 (solute carrier family 6 member 8; plus strand). Cytogenetic location: Xq28.
Variant type: single nucleotide variant.
Coding change: c.1597-5C>T on transcript NM_005629.4 (MANE Select); 5 bases into the intron before coding-DNA position 1597, C replaced by T.
Molecular consequence: intron variant.
Genome position (GRCh38, 1-based): chrX:153,694,714, C>T. VCF-style: chrX-153694714-C-T. GRCh37 (hg19) VCF-style: chrX-152960169-C-T.
Other names: c.1567-5C>T (NM_001142805.2); c.1252-5C>T (NM_001142806.1).
Identifiers: ClinVar variation 416000 (VCV000416000.20), dbSNP rs376073223, ClinGen allele CA10549596.
Genomic context (GRCh38, chrX:153,694,714, plus strand): 5'-GGCAGGGCGGGGGGCGAGGCAGGGCGGGGTAGGGGCCCCATTAACCGCAGCATTCTGGTC[C>T]GTAGGGCATCTTCATCTTCAACGTTGTGTACTACGAGCCGCTGGTCTACAACAACACCTA-3'